The following is an entry in ClinVar:

NM_001105247.2(ARMC5):c.1446G>A (p.Pro482=)

Gene: ARMC5 (armadillo repeat containing 5; plus strand). Cytogenetic location: 16p11.2.
Variant type: single nucleotide variant.
Coding change: c.1446G>A on transcript NM_001105247.2 (MANE Select); coding-DNA position 1446, G replaced by A.
Protein change: p.Pro482=; no amino-acid change (proline 482 retained).
Molecular consequence: synonymous variant.
Genome position (GRCh38, 1-based): chr16:31,464,469, G>A. VCF-style: chr16-31464469-G-A. GRCh37 (hg19) VCF-style: chr16-31475790-G-A.
Other names: c.1731G>A, p.Pro577= (NM_001288767.2); c.1542G>A, p.Pro514= (NM_001301820.1); c.1446G>A, p.Pro482= (NM_024742.2); c.1731G>A (NM_001288767.1).
Identifiers: ClinVar variation 2646481 (VCV002646481.24), dbSNP rs201976379, ClinGen allele CA8029678.

ClinVar aggregate classification (germline): Likely benign. Review status: criteria provided, single submitter (1 of 4 stars). 2 submissions from 2 submitters: Likely benign (1). 1 of the submissions does not count toward it. Last evaluated 2022-06-01.

Conditions:
ARMC5-related disorder. Also called: ARMC5-related condition.

Allele frequency attached by ClinVar (database versions not stated): gnomAD 0.00003; TOPMed 0.00003; ExAC 0.00004; ESP Exome Variant Server 0.00008; gnomAD exomes 0.00008.
gnomAD v4.1: 115 of 1,604,024 alleles (0.0072%); highest among the groups gnomAD compares: Non-Finnish European, 0.0094%; no homozygotes.

Submissions (2):

CeGaT Center for Human Genetics Tuebingen
Classification: Likely benign. Last evaluated: 2022-06-01. Review status: criteria provided, single submitter. Criteria: CeGaT Center For Human Genetics Tuebingen Variant Classification Criteria Version 2. Collection method: clinical testing. Allele origin: germline. Affected: yes. Observed: 1 variant allele.
Comment: ARMC5: BP4, BP7

PreventionGenetics, part of Exact Sciences
Classification: Likely benign for ARMC5-related condition. Last evaluated: 2024-08-25. Review status: no assertion criteria provided. Collection method: clinical testing. Allele origin: germline. Not counted in ClinVar's aggregate classification.
Comment: This variant is classified as likely benign based on ACMG/AMP sequence variant interpretation guidelines (Richards et al. 2015 PMID: 25741868, with internal and published modifications).